The following is an entry in ClinVar:

NM_001329630.2(PLEKHA7):c.3216T>C (p.Ser1072=)

Gene: PLEKHA7 (pleckstrin homology domain containing A7; minus strand). Cytogenetic location: 11p15.2.
Variant type: single nucleotide variant.
Coding change: c.3216T>C on transcript NM_001329630.2 (MANE Select); coding-DNA position 3216, T replaced by C.
Protein change: p.Ser1072=; no amino-acid change (serine 1072 retained).
Molecular consequence: synonymous variant.
Genome position (GRCh38, 1-based): chr11:16,789,237, A>G on the plus strand (T>C on the coding strand, the complement: PLEKHA7 is on the minus strand). VCF-style: chr11-16789237-A-G. GRCh37 (hg19) VCF-style: chr11-16810784-A-G.
Other names: c.3219T>C, p.Ser1073= (NM_001329631.2, NM_001410960.1); c.3216T>C, p.Ser1072= (NM_175058.5).
Identifiers: ClinVar variation 3030062 (VCV003030062.2), dbSNP rs778611040, ClinGen allele CA5898828.

ClinVar aggregate classification (germline): Likely benign (0 of 4 stars; one submission).

Conditions:
PLEKHA7-related disorder. Also called: PLEKHA7-related condition.

Allele frequency attached by ClinVar (database versions not stated): gnomAD 0.00001; TOPMed 0.00001; ExAC 0.00002; gnomAD exomes 0.00002.
gnomAD v4.1: 27 of 1,613,502 alleles (0.0017%); highest among the groups gnomAD compares: Non-Finnish European, 0.0022%; no homozygotes.

Submission:

PreventionGenetics, part of Exact Sciences
Classification: Likely benign for PLEKHA7-related condition. Last evaluated: 2023-01-11. Review status: no assertion criteria provided. Collection method: clinical testing. Allele origin: germline.
Comment: This variant is classified as likely benign based on ACMG/AMP sequence variant interpretation guidelines (Richards et al. 2015 PMID: 25741868, with internal and published modifications).